The following is an entry in ClinVar:

NM_014555.4(TRPM5):c.3389G>A (p.Arg1130Gln)

Gene: TRPM5 (transient receptor potential cation channel subfamily M member 5; minus strand). Cytogenetic location: 11p15.5.
Variant type: single nucleotide variant.
Coding change: c.3389G>A on transcript NM_014555.4 (MANE Select); coding-DNA position 3389, G replaced by A.
Protein change: p.Arg1130Gln; replaces arginine 1130 with glutamine.
Molecular consequence: missense variant.
Genome position (GRCh38, 1-based): chr11:2,405,529, C>T on the plus strand (G>A on the coding strand, the complement: TRPM5 is on the minus strand). VCF-style: chr11-2405529-C-T. GRCh37 (hg19) VCF-style: chr11-2426759-C-T.
Other names: short protein forms R1130Q.
Identifiers: ClinVar variation 4865985 (VCV004865985.1).

ClinVar aggregate classification (germline): Uncertain significance (1 of 4 stars; one submission).

gnomAD v4.1: 24 of 1,558,376 alleles (0.0015%); highest among the groups gnomAD compares: South Asian, 0.0047%; no homozygotes.

Submission:

Ambry Genetics
Classification: Uncertain significance. Last evaluated: 2026-06-04. Review status: criteria provided, single submitter. Criteria: Ambry Variant Classification Scheme 2023. Collection method: clinical testing. Allele origin: germline.
Comment: The c.3389G>A (p.R1130Q) alteration is located in exon 23 (coding exon 23) of the TRPM5 gene. This alteration results from a G to A substitution at nucleotide position 3389, causing the arginine (R) at amino acid position 1130 to be replaced by a glutamine (Q). Based on data from gnomAD, the A allele has an overall frequency of <0.001% (0/166768) total alleles studied. The highest observed frequency was <0.001% (/) of alleles. Based on insufficient or conflicting evidence, the clinical significance of this alteration remains unclear.